The following is an entry in ClinVar:

ClinVar aggregate classification (germline): Uncertain significance. Review status: criteria provided, multiple submitters, no conflicts (2 of 4 stars). 3 submissions from 3 submitters: Uncertain significance (3). Last evaluated 2026-01-14.

Conditions:
Inborn genetic diseases. Identifiers: MedGen C0950123, MeSH D030342.

gnomAD v4.1: 2 of 1,374,370 alleles (0.00015%); highest among the groups gnomAD compares: Non-Finnish European, 0.00019%; no homozygotes.

Submissions (3):

Labcorp Genetics (formerly Invitae), Labcorp
Classification: Uncertain significance. Last evaluated: 2026-01-14. Review status: criteria provided, single submitter. Criteria: Invitae Variant Classification Sherloc (09022015). Collection method: clinical testing. Allele origin: germline.
Comment: This sequence change replaces arginine, which is basic and polar, with leucine, which is neutral and non-polar, at codon 61 of the KDM1A protein (p.Arg61Leu). This variant is not present in population databases (gnomAD no frequency). This variant has not been reported in the literature in individuals affected with KDM1A-related conditions. ClinVar contains an entry for this variant (Variation ID: 3863378). An algorithm developed to predict the effect of missense changes on protein structure and function (PolyPhen-2) suggests that this variant is likely to be tolerated. In summary, the available evidence is currently insufficient to determine the role of this variant in disease. Therefore, it has been classified as a Variant of Uncertain Significance.

Ambry Genetics
Classification: Uncertain significance for Inborn genetic diseases. Last evaluated: 2025-03-28. Review status: criteria provided, single submitter. Criteria: Ambry Variant Classification Scheme 2023. Collection method: clinical testing. Allele origin: germline.
Comment: The p.R61L variant (also known as c.182G>T), located in coding exon 1 of the KDM1A gene, results from a G to T substitution at nucleotide position 182. The arginine at codon 61 is replaced by leucine, an amino acid with dissimilar properties. This amino acid position is conserved. In addition, this alteration is predicted to be tolerated by in silico analysis. Based on the available evidence, the clinical significance of this variant remains unclear.

Blueprint Genetics
Classification: Uncertain significance. Last evaluated: 2022-10-13. Review status: criteria provided, single submitter. Criteria: ACMG Guidelines, 2015. Collection method: clinical testing. Allele origin: germline.

NM_001009999.3(KDM1A):c.182G>T (p.Arg61Leu)

Gene: KDM1A (lysine demethylase 1A; plus strand). Cytogenetic location: 1p36.12.
Variant type: single nucleotide variant.
Coding change: c.182G>T on transcript NM_001009999.3 (MANE Select); coding-DNA position 182, G replaced by T.
Protein change: p.Arg61Leu; replaces arginine 61 with leucine.
Molecular consequence: missense variant.
Genome position (GRCh38, 1-based): chr1:23,019,778, G>T. VCF-style: chr1-23019778-G-T. GRCh37 (hg19) VCF-style: chr1-23346271-G-T.
Other names: c.182G>T, p.Arg61Leu (NM_001363654.2, NM_001410762.1, NM_001410763.1 and 1 more transcripts); short protein forms R61L.
Identifiers: ClinVar variation 3863378 (VCV003863378.4).